The following is an entry in ClinVar:

ClinVar aggregate classification (germline): Uncertain significance (1 of 4 stars; one submission).

Conditions:
Norman-Roberts syndrome (LIS2). Also called: Lissencephaly 2 (Norman-Roberts type). Identifiers: Orphanet 89844, MedGen C0796089, MONDO:0009760, OMIM 257320.
Familial temporal lobe epilepsy 7. Identifiers: Orphanet 101046, MedGen C4225327, MONDO:0014639, OMIM 616436.

Submission:

Labcorp Genetics (formerly Invitae), Labcorp
Classification: Uncertain significance for Familial temporal lobe epilepsy 7; Norman-Roberts syndrome. Last evaluated: 2021-03-01. Review status: criteria provided, single submitter. Criteria: Invitae Variant Classification Sherloc (09022015). Collection method: clinical testing. Allele origin: germline.
Comment: This sequence change replaces glycine with valine at codon 3351 of the RELN protein (p.Gly3351Val). The glycine residue is weakly conserved and there is a moderate physicochemical difference between glycine and valine. This variant is not present in population databases (ExAC no frequency). This variant has not been reported in the literature in individuals with RELN-related conditions. Algorithms developed to predict the effect of missense changes on protein structure and function are either unavailable or do not agree on the potential impact of this missense change (SIFT: "Deleterious"; PolyPhen-2: "Benign"; Align-GVGD: "Class C0"). In summary, the available evidence is currently insufficient to determine the role of this variant in disease. Therefore, it has been classified as a Variant of Uncertain Significance.

NM_005045.4(RELN):c.10052G>T (p.Gly3351Val)

Genes: RELN (reelin; minus strand), SLC26A5-AS1 (SLC26A5 antisense RNA 1; plus strand). Cytogenetic location: 7q22.1.
Variant type: single nucleotide variant.
Coding change: c.10052G>T on transcript NM_005045.4 (MANE Select); coding-DNA position 10052, G replaced by T.
Protein change: p.Gly3351Val; replaces glycine 3351 with valine.
Molecular consequence: missense variant.
Genome position (GRCh38, 1-based): chr7:103,483,782, C>A on the plus strand (G>T on the coding strand, the complement: RELN is on the minus strand). VCF-style: chr7-103483782-C-A. GRCh37 (hg19) VCF-style: chr7-103124229-C-A.
Other names: c.10052G>T, p.Gly3351Val (NM_173054.3); short protein forms G3351V.
Identifiers: ClinVar variation 1411664 (VCV001411664.8), dbSNP rs2116978384, ClinGen allele CA368739123.